The following is an entry in ClinVar:

NM_002439.5(MSH3):c.1763+2T>A

Gene: MSH3 (mutS homolog 3; plus strand). Cytogenetic location: 5q14.1.
Variant type: single nucleotide variant.
Coding change: c.1763+2T>A on transcript NM_002439.5 (MANE Select); the canonical splice donor site of the intron after coding-DNA position 1763, T replaced by A.
Molecular consequence: splice donor variant.
Genome position (GRCh38, 1-based): chr5:80,744,617, T>A. VCF-style: chr5-80744617-T-A. GRCh37 (hg19) VCF-style: chr5-80040436-T-A.
Identifiers: ClinVar variation 1068075 (VCV001068075.7), dbSNP rs376456666, ClinGen allele CA360274858.

ClinVar aggregate classification (germline): Likely pathogenic (1 of 4 stars; one submission).

Submission:

Labcorp Genetics (formerly Invitae), Labcorp
Classification: Likely pathogenic. Last evaluated: 2022-03-05. Review status: criteria provided, single submitter. Criteria: Invitae Variant Classification Sherloc (09022015). Collection method: clinical testing. Allele origin: germline.
Comment: This sequence change affects a donor splice site in intron 12 of the MSH3 gene. It is expected to disrupt RNA splicing. Variants that disrupt the donor or acceptor splice site typically lead to a loss of protein function (PMID: 16199547), and loss-of-function variants in MSH3 are known to be pathogenic (PMID: 27476653). This variant is not present in population databases (gnomAD no frequency). This variant has not been reported in the literature in individuals affected with MSH3-related conditions. ClinVar contains an entry for this variant (Variation ID: 1068075). Algorithms developed to predict the effect of sequence changes on RNA splicing suggest that this variant may disrupt the consensus splice site. In summary, the currently available evidence indicates that the variant is pathogenic, but additional data are needed to prove that conclusively. Therefore, this variant has been classified as Likely Pathogenic.

Literature cited by the submitters: PubMed 16199547; PubMed 27476653.